The following is an entry in ClinVar:

ClinVar aggregate classification (germline): Uncertain significance. Review status: criteria provided, multiple submitters, no conflicts (2 of 4 stars). 2 submissions from 2 submitters: Uncertain significance (2). Last evaluated 2025-05-27.

Conditions:
Hereditary cancer-predisposing syndrome. Also called: Neoplastic Syndromes, Hereditary; Tumor predisposition; Hereditary neoplastic syndrome; Hereditary Cancer Syndrome. Identifiers: Orphanet 140162, MedGen C0027672, MeSH D009386, MONDO:0015356.

Allele frequency attached by ClinVar (database versions not stated): gnomAD exomes below 0.00001; TOPMed 0.00001.

Submissions (2):

Labcorp Genetics (formerly Invitae), Labcorp
Classification: Uncertain significance for Hereditary cancer-predisposing syndrome. Last evaluated: 2025-05-27. Review status: criteria provided, single submitter. Criteria: Invitae Variant Classification Sherloc (09022015). Collection method: clinical testing. Allele origin: germline.
Comment: This sequence change replaces aspartic acid, which is acidic and polar, with glycine, which is neutral and non-polar, at codon 77 of the RAD50 protein (p.Asp77Gly). This variant is present in population databases (no rsID available, gnomAD 0.0009%). This variant has not been reported in the literature in individuals affected with RAD50-related conditions. ClinVar contains an entry for this variant (Variation ID: 838057). Invitae Evidence Modeling of protein sequence and biophysical properties (such as structural, functional, and spatial information, amino acid conservation, physicochemical variation, residue mobility, and thermodynamic stability) indicates that this missense variant is expected to disrupt RAD50 protein function with a positive predictive value of 80%. In summary, the available evidence is currently insufficient to determine the role of this variant in disease. Therefore, it has been classified as a Variant of Uncertain Significance.

Ambry Genetics
Classification: Uncertain significance for Hereditary cancer-predisposing syndrome. Last evaluated: 2024-06-25. Review status: criteria provided, single submitter. Criteria: Ambry Variant Classification Scheme 2023. Collection method: clinical testing. Allele origin: germline.
Comment: The p.D77G variant (also known as c.230A>G), located in coding exon 3 of the RAD50 gene, results from an A to G substitution at nucleotide position 230. The aspartic acid at codon 77 is replaced by glycine, an amino acid with similar properties. This amino acid position is conserved. In addition, the in silico prediction for this alteration is inconclusive. Based on the available evidence, the clinical significance of this variant remains unclear.

NM_005732.4(RAD50):c.230A>G (p.Asp77Gly)

Gene: RAD50 (RAD50 double strand break repair protein; plus strand). Cytogenetic location: 5q31.1.
Variant type: single nucleotide variant.
Coding change: c.230A>G on transcript NM_005732.4 (MANE Select); coding-DNA position 230, A replaced by G.
Protein change: p.Asp77Gly; replaces aspartic acid 77 with glycine.
Molecular consequence: missense variant.
Genome position (GRCh38, 1-based): chr5:132,575,793, A>G. VCF-style: chr5-132575793-A-G. GRCh37 (hg19) VCF-style: chr5-131911485-A-G.
Other names: short protein forms D77G.
Identifiers: ClinVar variation 838057 (VCV000838057.11), dbSNP rs1196943266, ClinGen allele CA360930242.
Genomic context (GRCh38, chr5:132,575,793, plus strand): 5'-GCTTATTAAAGTAACATAAGTTTTTTCTGTGTTTTCCTTCAAAGGTTGCTCAAGAAACAG[A>G]TGTGAGAGCCCAGATTCGTCTGCAATTTCGTGATGTCAATGGAGAACTTATAGCTGTGCA-3'
Protein context (NP_005723.2, residues 67-87): VHDPKVAQET[Asp77Gly]VRAQIRLQFR